The following is an entry in ClinVar:

ClinVar aggregate classification (germline): Uncertain significance (1 of 4 stars; one submission).

Allele frequency attached by ClinVar (database versions not stated): gnomAD exomes 0.00001; gnomAD 0.00001; ExAC 0.00002.
gnomAD v4.1: 12 of 1,613,858 alleles (0.00074%); highest among the groups gnomAD compares: East Asian, 0.0045%; no homozygotes.

Submissions (2):

Labcorp Genetics (formerly Invitae), Labcorp
Classification: Uncertain significance. Last evaluated: 2025-12-27. Review status: criteria provided, single submitter. Criteria: Invitae Variant Classification Sherloc (09022015). Collection method: clinical testing. Allele origin: germline.
Comment: This sequence change replaces arginine, which is basic and polar, with glutamine, which is neutral and polar, at codon 240 of the AFG3L2 protein (p.Arg240Gln). This variant is present in population databases (rs748957187, gnomAD 0.02%). This variant has not been reported in the literature in individuals affected with AFG3L2-related conditions. ClinVar contains an entry for this variant (Variation ID: 2796968). Invitae Evidence Modeling of protein sequence and biophysical properties (such as structural, functional, and spatial information, amino acid conservation, physicochemical variation, residue mobility, and thermodynamic stability) indicates that this missense variant is not expected to disrupt AFG3L2 protein function with a negative predictive value of 95%. Algorithms developed to predict the effect of sequence changes on RNA splicing suggest that this variant may disrupt the consensus splice site. In summary, the available evidence is currently insufficient to determine the role of this variant in disease. Therefore, it has been classified as a Variant of Uncertain Significance.

Dr. Peter K. Rogan Lab, Western University
No classification provided (evidence only). Condition: Lung cancer. Review status: no classification provided. Collection method: in vitro. Allele origin: not applicable. Functional consequence: retained intron. Not counted in ClinVar's aggregate classification.

NM_006796.3(AFG3L2):c.719G>A (p.Arg240Gln)

Gene: AFG3L2 (AFG3 like matrix AAA peptidase subunit 2; minus strand). Cytogenetic location: 18p11.21.
Variant type: single nucleotide variant.
Coding change: c.719G>A on transcript NM_006796.3 (MANE Select); coding-DNA position 719, G replaced by A.
Protein change: p.Arg240Gln; replaces arginine 240 with glutamine.
Molecular consequence: missense variant.
Genome position (GRCh38, 1-based): chr18:12,359,960, C>T on the plus strand (G>A on the coding strand, the complement: AFG3L2 is on the minus strand). VCF-style: chr18-12359960-C-T. GRCh37 (hg19) VCF-style: chr18-12359959-C-T.
Other names: short protein forms R240Q.
Identifiers: ClinVar variation 2796968 (VCV002796968.4), dbSNP rs748957187, ClinGen allele CA8896679.